The following is an entry in ClinVar:

NM_001927.4(DES):c.*662G>A

Gene: DES (desmin; plus strand). Cytogenetic location: 2q35.
Variant type: single nucleotide variant.
Coding change: c.*662G>A on transcript NM_001927.4 (MANE Select); 662 bases downstream of the stop codon, G replaced by A.
Molecular consequence: 3 prime UTR variant.
Genome position (GRCh38, 1-based): chr2:219,426,652, G>A. VCF-style: chr2-219426652-G-A. GRCh37 (hg19) VCF-style: chr2-220291374-G-A.
Other names: c.*662G>A (LRG_380t1).
Identifiers: ClinVar variation 334457 (VCV000334457.8), dbSNP rs116635264, ClinGen allele CA10614241.

ClinVar aggregate classification (germline): Benign/Likely benign. Review status: criteria provided, multiple submitters, no conflicts (2 of 4 stars). 4 submissions from 2 submitters: Benign (1); Likely benign (3). Last evaluated 2021-05-11.

Conditions:
Desmin-related myofibrillar myopathy (MFM1). Also called: Desminopathy; Desmin related myopathy (former name); Desmin storage myopathy (former name); MYOFIBRILLAR MYOPATHY WITH ARRHYTHMOGENIC RIGHT VENTRICULAR CARDIOMYOPATHY; DESMIN-RELATED MYOPATHY WITH ARRHYTHMOGENIC RIGHT VENTRICULAR CARDIOMYOPATHY; Myofibrillar myopathy 1. Identifiers: Orphanet 363543, Orphanet 98909, MedGen C1832370, MONDO:0011076, OMIM 601419.
Neurogenic scapuloperoneal syndrome, Kaeser type (SCPNK). Also called: KAESER SYNDROME. Identifiers: Orphanet 85146, MedGen C1867005, MONDO:0008407, OMIM 181400.
Dilated cardiomyopathy 1I (CMD1I). Identifiers: Orphanet 154, MedGen C1858154, MONDO:0011482, OMIM 604765.

Allele frequency attached by ClinVar (database versions not stated): gnomAD 0.01236 and 0.01332; 1000 Genomes Project 30x 0.01296; 1000 Genomes Project 0.01318; TOPMed 0.01384.
gnomAD v4.1: 1,861 of 156,266 alleles (1.2%); highest among the groups gnomAD compares: African/African-American, 4.3%; 45 homozygotes.

Submissions (4):

GeneDx
Classification: Likely benign. Last evaluated: 2021-05-11. Review status: criteria provided, single submitter. Criteria: GeneDx Variant Classification Process June 2021. Collection method: clinical testing. Allele origin: germline. Affected: yes.

Illumina Laboratory Services, Illumina
Classification: Benign for Neurogenic scapuloperoneal syndrome, Kaeser type. Last evaluated: 2018-01-12. Review status: criteria provided, single submitter. Criteria: ICSL Variant Classification Criteria 13 December 2019. Collection method: clinical testing. Allele origin: germline.
Comment: This variant was observed in the ICSL laboratory as part of a predisposition screen in an ostensibly healthy population. It had not been previously curated by ICSL or reported in the Human Gene Mutation Database (HGMD: prior to June 1st, 2018), and was therefore a candidate for classification through an automated scoring system. Utilizing variant allele frequency, disease prevalence and penetrance estimates, and inheritance mode, an automated score was calculated to assess if this variant is too frequent to cause the disease. Based on the score and internal cut-off values, a variant classified as benign is not then subjected to further curation. The score for this variant resulted in a classification of benign for this disease.

Illumina Laboratory Services, Illumina
Classification: Likely benign for Dilated cardiomyopathy 1I. Last evaluated: 2018-01-12. Review status: criteria provided, single submitter. Criteria: ICSL Variant Classification Criteria 13 December 2019. Collection method: clinical testing. Allele origin: germline.
Comment: This variant was observed in the ICSL laboratory as part of a predisposition screen in an ostensibly healthy population. It had not been previously curated by ICSL or reported in the Human Gene Mutation Database (HGMD: prior to June 1st, 2018), and was therefore a candidate for classification through an automated scoring system. Utilizing variant allele frequency, disease prevalence and penetrance estimates, and inheritance mode, an automated score was calculated to assess if this variant is too frequent to cause the disease. Based on the score and internal cut-off values, a variant classified as likely benign is not then subjected to further curation. The score for this variant resulted in a classification of likely benign for this disease.

Illumina Laboratory Services, Illumina
Classification: Likely benign for Myofibrillar myopathy 1. Last evaluated: 2018-01-12. Review status: criteria provided, single submitter. Criteria: ICSL Variant Classification Criteria 13 December 2019. Collection method: clinical testing. Allele origin: germline.
Comment: the same text as in the submission from Illumina Laboratory Services, Illumina above.